The following is an entry in ClinVar:

ClinVar aggregate classification (germline): Pathogenic (1 of 4 stars; one submission).

gnomAD v4.1: 1 of 1,614,020 alleles (0.000062%); highest among the groups gnomAD compares: African/African-American, 0.0013%; no homozygotes.

Submission:

Labcorp Genetics (formerly Invitae), Labcorp
Classification: Pathogenic. Last evaluated: 2023-12-06. Review status: criteria provided, single submitter. Criteria: Invitae Variant Classification Sherloc (09022015). Collection method: clinical testing. Allele origin: germline.
Comment: This sequence change affects a donor splice site in intron 38 of the OTOF gene. It is expected to disrupt RNA splicing. Variants that disrupt the donor or acceptor splice site typically lead to a loss of protein function (PMID: 16199547), and loss-of-function variants in OTOF are known to be pathogenic (PMID: 18381613, 19250381, 22575033). This variant is not present in population databases (gnomAD no frequency). Disruption of this splice site has been observed in individuals with auditory neuropathy spectrum disorder (PMID: 32476384, 34424407). ClinVar contains an entry for this variant (Variation ID: 2203026). Algorithms developed to predict the effect of sequence changes on RNA splicing suggest that this variant may disrupt the consensus splice site. For these reasons, this variant has been classified as Pathogenic.

Literature cited by the submitters: PubMed 16199547; PubMed 18381613; PubMed 19250381; PubMed 22575033; PubMed 32476384; PubMed 34424407.

NM_194248.3(OTOF):c.4799+1G>T

Gene: OTOF (otoferlin; minus strand). Cytogenetic location: 2p23.3.
Variant type: single nucleotide variant.
Coding change: c.4799+1G>T on transcript NM_194248.3 (MANE Select); the canonical splice donor site of the intron after coding-DNA position 4799, G replaced by T.
Molecular consequence: splice donor variant.
Genome position (GRCh38, 1-based): chr2:26,465,671, C>A on the plus strand (G>T on the coding strand, the complement: OTOF is on the minus strand). VCF-style: chr2-26465671-C-A. GRCh37 (hg19) VCF-style: chr2-26688539-C-A.
Other names: c.4799+1G>T (NM_001287489.2); c.2498+1G>T (NM_194323.3, NM_004802.4); c.2729+1G>T (NM_194322.3).
Identifiers: ClinVar variation 2203026 (VCV002203026.4), dbSNP rs200147906, ClinGen allele CA346135203.